The following is an entry in ClinVar:

NM_006796.3(AFG3L2):c.1650A>G (p.Glu550=)

Gene: AFG3L2 (AFG3 like matrix AAA peptidase subunit 2; minus strand). Cytogenetic location: 18p11.21.
Variant type: single nucleotide variant.
Coding change: c.1650A>G on transcript NM_006796.3 (MANE Select); coding-DNA position 1650, A replaced by G.
Protein change: p.Glu550=; no amino-acid change (glutamic acid 550 retained).
Molecular consequence: synonymous variant.
Genome position (GRCh38, 1-based): chr18:12,348,286, T>C on the plus strand (A>G on the coding strand, the complement: AFG3L2 is on the minus strand). VCF-style: chr18-12348286-T-C. GRCh37 (hg19) VCF-style: chr18-12348285-T-C.
Other names: p.E550E:GAA>GAG.
Identifiers: ClinVar variation 128287 (VCV000128287.31), dbSNP rs11553521, ClinGen allele CA288674.
Genomic context (GRCh38, chr18:12,348,286, plus strand): 5'-ATTCATTTTATCAGCCTTTCCACTTGAGTTATGTTCAGTTTCCTTACCACCAATCACTCG[T>C]TCAATTGCCTGTTCAAAGTGTTTCTGATTTATGGAATCTGACAGATGCCTTGCAGCAATC-3'
Protein context (NP_006787.2, residues 540-560): INQKHFEQAI[Glu550=]RVIGGLEKKT

ClinVar aggregate classification (germline): Benign. Review status: criteria provided, multiple submitters, no conflicts (2 of 4 stars). 13 submissions from 11 submitters: Benign (8). 5 of the submissions do not count toward it. Last evaluated 2026-02-03.

Conditions:
Spastic ataxia 5. Also called: Spastic Ataxia Type 5 (SPAX5). Identifiers: Orphanet 313772, MedGen C3280977, MONDO:0013776, OMIM 614487.
Spinocerebellar ataxia type 28 (SCA28). Also called: Spinocerebellar Ataxia Type 28 (SCA28). Identifiers: Orphanet 101109, MedGen C1853249, MONDO:0012450, OMIM 610246.
Optic atrophy 12. Also called: Optic Atrophy Type 12 (OPA12). Identifiers: MedGen C5436534, MONDO:0033549, OMIM 618977.

Allele frequency attached by ClinVar (database versions not stated): 1000 Genomes Project 30x 0.70924; 1000 Genomes Project 0.70986; TOPMed 0.74612; ExAC 0.74925; gnomAD 0.77624; ESP Exome Variant Server 0.77926.
gnomAD v4.1: 1,248,672 of 1,612,264 alleles (77%); highest among the groups gnomAD compares: Non-Finnish European, 79%; 486,115 homozygotes.

Submissions (13):

Labcorp Genetics (formerly Invitae), Labcorp
Classification: Benign. Last evaluated: 2026-02-03. Review status: criteria provided, single submitter. Criteria: Invitae Variant Classification Sherloc (09022015). Collection method: clinical testing. Allele origin: germline.

Blueprint Genetics
Classification: Benign. Last evaluated: 2024-11-28. Review status: criteria provided, single submitter. Criteria: ACMG Guidelines, 2015. Collection method: clinical testing. Allele origin: germline.

Genome-Nilou Lab
Classification: Benign for Optic atrophy 12. Last evaluated: 2021-07-14. Review status: criteria provided, single submitter. Criteria: ACMG Guidelines, 2015. Collection method: clinical testing. Allele origin: germline. Affected: no.

Genome-Nilou Lab
Classification: Benign for Spastic ataxia 5. Last evaluated: 2021-07-14. Review status: criteria provided, single submitter. Criteria: ACMG Guidelines, 2015. Collection method: clinical testing. Allele origin: germline. Affected: no.

Genome-Nilou Lab
Classification: Benign for Spinocerebellar ataxia type 28. Last evaluated: 2021-07-14. Review status: criteria provided, single submitter. Criteria: ACMG Guidelines, 2015. Collection method: clinical testing. Allele origin: germline. Affected: no.

Illumina Laboratory Services, Illumina
Classification: Benign for Spinocerebellar ataxia type 28. Last evaluated: 2018-01-12. Review status: criteria provided, single submitter. Criteria: ICSL Variant Classification Criteria 13 December 2019. Collection method: clinical testing. Allele origin: germline.
Comment: This variant was observed in the ICSL laboratory as part of a predisposition screen in an ostensibly healthy population. It had not been previously curated by ICSL or reported in the Human Gene Mutation Database (HGMD: prior to June 1st, 2018), and was therefore a candidate for classification through an automated scoring system. Utilizing variant allele frequency, disease prevalence and penetrance estimates, and inheritance mode, an automated score was calculated to assess if this variant is too frequent to cause the disease. Based on the score and internal cut-off values, a variant classified as benign is not then subjected to further curation. The score for this variant resulted in a classification of benign for this disease.

GeneDx
Classification: Benign. Last evaluated: 2013-09-09. Review status: criteria provided, single submitter. Criteria: GeneDx Variant Classification (06012015). Collection method: clinical testing. Allele origin: germline. Affected: yes.
Comment: This variant is considered likely benign or benign based on one or more of the following criteria: it is a conservative change, it occurs at a poorly conserved position in the protein, it is predicted to be benign by multiple in silico algorithms, and/or has population frequency not consistent with disease.

Breakthrough Genomics
Classification: Benign. Review status: criteria provided, single submitter. Criteria: ACMG Guidelines, 2015. Collection method: not provided. Allele origin: germline. Inheritance: Autosomal recessive inheritance. Affected: yes.

Mayo Clinic Laboratories, Mayo Clinic
Classification: Benign. Last evaluated: 2016-02-11. Review status: no assertion criteria provided. Collection method: clinical testing. Allele origin: unknown. Not counted in ClinVar's aggregate classification.

Clinical Genetics DNA and cytogenetics Diagnostics Lab, Erasmus MC, Erasmus Medical Center
Classification: Benign. Review status: no assertion criteria provided. Collection method: clinical testing. Allele origin: germline. Affected: yes. Study: VKGL Data-share Consensus. Not counted in ClinVar's aggregate classification.

Diagnostic Laboratory, Department of Genetics, University Medical Center Groningen
Classification: Benign. Review status: no assertion criteria provided. Collection method: clinical testing. Allele origin: germline. Affected: yes. Study: VKGL Data-share Consensus. Not counted in ClinVar's aggregate classification.

Genetic Services Laboratory, University of Chicago
Classification: Likely benign for AllHighlyPenetrant. Review status: no assertion criteria provided. Collection method: clinical testing. Allele origin: germline. Inheritance: Autosomal recessive inheritance. Not counted in ClinVar's aggregate classification.
Comment: Likely benign based on allele frequency in 1000 Genomes Project or ESP global frequency and its presence in a patient with a rare or unrelated disease phenotype. NOT Sanger confirmed.

Joint Genome Diagnostic Labs from Nijmegen and Maastricht, Radboudumc and MUMC+
Classification: Benign. Review status: no assertion criteria provided. Collection method: clinical testing. Allele origin: germline. Affected: yes. Study: VKGL Data-share Consensus. Not counted in ClinVar's aggregate classification.